The following is an entry in ClinVar:

ClinVar aggregate classification (germline): Conflicting classifications of pathogenicity. Review status: criteria provided, conflicting classifications (1 of 4 stars). 3 submissions from 3 submitters: Uncertain significance (2); Likely benign (1). Last evaluated 2024-10-20.

Conditions:
Inborn genetic diseases. Identifiers: MedGen C0950123, MeSH D030342.
Inflammatory bowel disease 25. Also called: Inflammatory bowel disease 25, early onset, autosomal recessive. Identifiers: Orphanet 238569, MedGen C2675508, MONDO:0012941, OMIM 612567.

Allele frequency attached by ClinVar (database versions not stated): gnomAD exomes 0.00002 and 0.00006; ExAC 0.00008; gnomAD 0.00014; TOPMed 0.00015; ESP Exome Variant Server 0.00031.
gnomAD v4.1: 45 of 1,613,788 alleles (0.0028%); highest among the groups gnomAD compares: African/African-American, 0.045%; no homozygotes.

Submissions (3):

Ambry Genetics
Classification: Likely benign for Inborn genetic diseases. Last evaluated: 2024-10-20. Review status: criteria provided, single submitter. Criteria: Ambry Variant Classification Scheme 2023. Collection method: clinical testing. Allele origin: germline.

Mayo Clinic Laboratories, Mayo Clinic
Classification: Uncertain significance. Last evaluated: 2022-08-12. Review status: criteria provided, single submitter. Criteria: ACMG Guidelines, 2015. Collection method: clinical testing. Allele origin: germline. Observed: 1 variant allele.
Comment: BP4

Labcorp Genetics (formerly Invitae), Labcorp
Classification: Uncertain significance for Inflammatory bowel disease 25. Last evaluated: 2021-08-31. Review status: criteria provided, single submitter. Criteria: Invitae Variant Classification Sherloc (09022015). Collection method: clinical testing. Allele origin: germline.
Comment: This sequence change replaces proline with leucine at codon 318 of the IL10RB protein (p.Pro318Leu). The proline residue is weakly conserved and there is a moderate physicochemical difference between proline and leucine. This variant is present in population databases (rs141414815, ExAC 0.08%). This variant has not been reported in the literature in individuals affected with IL10RB-related conditions. Algorithms developed to predict the effect of missense changes on protein structure and function output the following: SIFT: "Tolerated"; PolyPhen-2: "Benign"; Align-GVGD: "Class C0". The leucine amino acid residue is found in multiple mammalian species, which suggests that this missense change does not adversely affect protein function. In summary, the available evidence is currently insufficient to determine the role of this variant in disease. Therefore, it has been classified as a Variant of Uncertain Significance.

NM_000628.5(IL10RB):c.953C>T (p.Pro318Leu)

Genes: IFNAR2-IL10RB (IFNAR2-IL10RB readthrough; plus strand), IL10RB (interleukin 10 receptor subunit beta; plus strand). Cytogenetic location: 21q22.11.
Variant type: single nucleotide variant.
Coding change: c.953C>T on transcript NM_000628.5 (MANE Select); coding-DNA position 953, C replaced by T.
Protein change: p.Pro318Leu; replaces proline 318 with leucine.
Molecular consequence: missense variant.
Genome position (GRCh38, 1-based): chr21:33,296,332, C>T. VCF-style: chr21-33296332-C-T. GRCh37 (hg19) VCF-style: chr21-34668637-C-T.
Other names: p.Pro318Leu; c.953C>T (NM_000628.3); short protein forms P318L.
Identifiers: ClinVar variation 835048 (VCV000835048.9), dbSNP rs141414815, ClinGen allele CA10006292.